The following is an entry in ClinVar:

ClinVar aggregate classification (germline): Uncertain significance. Review status: criteria provided, multiple submitters, no conflicts (2 of 4 stars). 2 submissions from 2 submitters: Uncertain significance (2). Last evaluated 2022-02-14.

Conditions:
Irido-corneo-trabecular dysgenesis (ASGD5). Also called: ANTERIOR SEGMENT DYSGENESIS 5. Identifiers: Orphanet 708, MedGen C0344559, MONDO:0011414, OMIM 604229, HP:0000659.
Aniridia 1 (AN1). Identifiers: Orphanet 250923, MedGen C0344542, MONDO:0024507, OMIM 106210.

Submissions (2):

Revvity Omics, Revvity
Classification: Uncertain significance. Last evaluated: 2022-02-14. Review status: criteria provided, single submitter. Criteria: ACMG Guidelines, 2015. Collection method: clinical testing. Allele origin: germline.

Labcorp Genetics (formerly Invitae), Labcorp
Classification: Uncertain significance for Aniridia 1; Irido-corneo-trabecular dysgenesis. Last evaluated: 2021-10-15. Review status: criteria provided, single submitter. Criteria: Invitae Variant Classification Sherloc (09022015). Collection method: clinical testing. Allele origin: germline.
Comment: This missense change has been observed in individual(s) with clinical features of aniridia (Invitae). Advanced modeling of protein sequence and biophysical properties (such as structural, functional, and spatial information, amino acid conservation, physicochemical variation, residue mobility, and thermodynamic stability) performed at Invitae indicates that this missense variant is expected to disrupt PAX6 protein function. In summary, the available evidence is currently insufficient to determine the role of this variant in disease. Therefore, it has been classified as a Variant of Uncertain Significance. This sequence change replaces arginine with leucine at codon 19 of the PAX6 protein (p.Arg19Leu). The arginine residue is highly conserved and there is a moderate physicochemical difference between arginine and leucine. This variant is not present in population databases (ExAC no frequency).

NM_001368894.2(PAX6):c.56G>T (p.Arg19Leu)

Gene: PAX6 (paired box 6; minus strand). Cytogenetic location: 11p13.
Variant type: single nucleotide variant.
Coding change: c.56G>T on transcript NM_001368894.2 (MANE Select); coding-DNA position 56, G replaced by T.
Protein change: p.Arg19Leu; replaces arginine 19 with leucine.
Molecular consequence: missense variant. On other transcripts: 5 prime UTR variant (12), non-coding transcript variant (2), intron variant (2).
Genome position (GRCh38, 1-based): chr11:31,802,789, C>A on the plus strand (G>T on the coding strand, the complement: PAX6 is on the minus strand). VCF-style: chr11-31802789-C-A. GRCh37 (hg19) VCF-style: chr11-31824337-C-A.
Other names: c.56G>T (NM_000280.4); c.56G>T, p.Arg19Leu (NM_000280.6, NM_001127612.3, NM_001258462.3 and 30 more transcripts); c.-726G>T (NM_001310160.2, NM_001368905.2); c.-395G>T (NM_001310161.3, NM_001368900.2, NM_001368903.2 and 2 more transcripts); c.-353G>T (NM_001368899.2, NM_001368901.2, NM_001368906.2 and 1 more transcripts); c.-684G>T (NM_001368902.2); c.299G>T, p.Arg100Leu (NM_001368910.2); c.59G>T, p.Arg20Leu (NM_001368911.2); and 1 more; short protein forms R20L, R100L, R19L.
Identifiers: ClinVar variation 1381613 (VCV001381613.8), dbSNP rs2135152943, ClinGen allele CA379959636.